The following is an entry in ClinVar:

ClinVar aggregate classification (germline): Likely benign (1 of 4 stars; one submission).

Submission:

CeGaT Center for Human Genetics Tuebingen
Classification: Likely benign. Last evaluated: 2025-09-01. Review status: criteria provided, single submitter. Criteria: CeGaT Center For Human Genetics Tuebingen Variant Classification Criteria Version 2. Collection method: clinical testing. Allele origin: germline. Affected: yes. Observed: 1 variant allele.
Comment: DMXL1: PM2:Supporting, BP4, BP7

NM_001290321.3(DMXL1):c.2193T>C (p.Leu731=)

Gene: DMXL1 (Dmx like 1; plus strand). Cytogenetic location: 5q23.1.
Variant type: single nucleotide variant.
Coding change: c.2193T>C on transcript NM_001290321.3 (MANE Select); coding-DNA position 2193, T replaced by C.
Protein change: p.Leu731=; no amino-acid change (leucine 731 retained).
Molecular consequence: synonymous variant. On other transcripts: non-coding transcript variant (3), intron variant (2).
Genome position (GRCh38, 1-based): chr5:119,134,117, T>C. VCF-style: chr5-119134117-T-C. GRCh37 (hg19) VCF-style: chr5-118469812-T-C.
Other names: c.2193T>C, p.Leu731= (NM_001349239.2, NM_001349240.2, NM_001387933.1 and 2 more transcripts); c.1610-151T>C (NM_001387938.1); c.1550-151T>C (NM_001387937.1).
Identifiers: ClinVar variation 4281456 (VCV004281456.7).